The following is an entry in ClinVar:

ClinVar aggregate classification (germline): Uncertain significance. Review status: criteria provided, multiple submitters, no conflicts (2 of 4 stars). 2 submissions from 2 submitters: Uncertain significance (2). Last evaluated 2024-02-23.

Allele frequency attached by ClinVar (database versions not stated): gnomAD exomes below 0.00001; TOPMed below 0.00001; gnomAD 0.00001.
gnomAD v4.1: 4 of 1,544,614 alleles (0.00026%); highest among the groups gnomAD compares: African/African-American, 0.0014%; no homozygotes.

Submissions (2):

Blueprint Genetics
Classification: Uncertain significance. Last evaluated: 2024-02-23. Review status: criteria provided, single submitter. Criteria: ACMG Guidelines, 2015. Collection method: clinical testing. Allele origin: germline.

Labcorp Genetics (formerly Invitae), Labcorp
Classification: Uncertain significance. Last evaluated: 2021-08-08. Review status: criteria provided, single submitter. Criteria: Invitae Variant Classification Sherloc (09022015). Collection method: clinical testing. Allele origin: germline.
Comment: This sequence change replaces valine with methionine at codon 1965 of the EYS protein (p.Val1965Met). The valine residue is highly conserved and there is a small physicochemical difference between valine and methionine. This variant is not present in population databases (ExAC no frequency). This variant has not been reported in the literature in individuals affected with EYS-related conditions. Algorithms developed to predict the effect of missense changes on protein structure and function are either unavailable or do not agree on the potential impact of this missense change (SIFT: "Deleterious"; PolyPhen-2: "Probably Damaging"; Align-GVGD: "Class C0"). In summary, the available evidence is currently insufficient to determine the role of this variant in disease. Therefore, it has been classified as a Variant of Uncertain Significance.

NM_001142800.2(EYS):c.5893G>A (p.Val1965Met)

Gene: EYS (EGF-like photoreceptor maintenance factor; minus strand). Cytogenetic location: 6q12.
Variant type: single nucleotide variant.
Coding change: c.5893G>A on transcript NM_001142800.2 (MANE Select); coding-DNA position 5893, G replaced by A.
Protein change: p.Val1965Met; replaces valine 1965 with methionine.
Molecular consequence: missense variant.
Genome position (GRCh38, 1-based): chr6:64,436,208, C>T on the plus strand (G>A on the coding strand, the complement: EYS is on the minus strand). VCF-style: chr6-64436208-C-T. GRCh37 (hg19) VCF-style: chr6-65146101-C-T.
Other names: c.5893G>A, p.Val1965Met (NM_001292009.2); short protein forms V1965M.
Identifiers: ClinVar variation 1448055 (VCV001448055.4), dbSNP rs967520282, ClinGen allele CA140321735.